The following is an entry in ClinVar:

NM_053025.4(MYLK):c.4438C>T (p.Arg1480Ter)

Gene: MYLK (myosin light chain kinase; minus strand). Cytogenetic location: 3q21.1.
Variant type: single nucleotide variant.
Coding change: c.4438C>T on transcript NM_053025.4 (MANE Select); coding-DNA position 4438, C replaced by T.
Protein change: p.Arg1480Ter; replaces arginine 1480 with a stop codon.
Molecular consequence: nonsense.
Genome position (GRCh38, 1-based): chr3:123,647,405, G>A on the plus strand (C>T on the coding strand, the complement: MYLK is on the minus strand). VCF-style: chr3-123647405-G-A. GRCh37 (hg19) VCF-style: chr3-123366252-G-A.
Other names: c.3910C>T, p.Arg1304Ter (NM_001321309.2); c.4231C>T, p.Arg1411Ter (NM_053026.4, NM_053028.4); c.4438C>T, p.Arg1480Ter (NM_053027.4); short protein forms R1480*, R1304*, R1411*.
Identifiers: ClinVar variation 30134 (VCV000030134.8), dbSNP rs387906782, ClinGen allele CA024849.

ClinVar aggregate classification (germline): Pathogenic/Likely pathogenic. Review status: criteria provided, multiple submitters, no conflicts (2 of 4 stars). 3 submissions from 3 submitters: Pathogenic (1); Likely pathogenic (1). 1 of the submissions does not count toward it. Last evaluated 2025-05-04.

Conditions:
Aortic aneurysm, familial thoracic 7 (AAT7). Also called: AORTIC DISSECTION, FAMILIAL, WITH OR WITHOUT AORTIC ANEURYSM. Identifiers: MedGen C3151077, MONDO:0013418, OMIM 613780.
Familial thoracic aortic aneurysm and aortic dissection (TAAD). Also called: Thoracic aortic aneurysms and dissections. Identifiers: Orphanet 91387, MedGen C4707243, MONDO:0019625.

Allele frequency attached by ClinVar (database versions not stated): TOPMed below 0.00001.
gnomAD v4.1: 3 of 1,614,142 alleles (0.00019%); highest among the groups gnomAD compares: Non-Finnish European, 0.00025%; no homozygotes.

Submissions (3):

Labcorp Genetics (formerly Invitae), Labcorp
Classification: Pathogenic for Aortic aneurysm, familial thoracic 7. Last evaluated: 2025-05-04. Review status: criteria provided, single submitter. Criteria: Invitae Variant Classification Sherloc (09022015). Collection method: clinical testing. Allele origin: germline.
Comment: This sequence change creates a premature translational stop signal (p.Arg1480*) in the MYLK gene. This variant occurs within the aortic-specific isoform of MYLK. Loss-of-function variants in the aortic-specific isoform of MYLK are known to be pathogenic for thoracic aortic dissections (PMID: 21055718). This variant is not present in population databases (gnomAD no frequency). This premature translational stop signal has been observed in individual(s) with thoracic aortic aneurysm and dissection (PMID: 21055718). ClinVar contains an entry for this variant (Variation ID: 30134). For these reasons, this variant has been classified as Pathogenic.

CHEO Genetics Diagnostic Laboratory, Children's Hospital of Eastern Ontario
Classification: Likely pathogenic for Familial thoracic aortic aneurysm and aortic dissection. Last evaluated: 2019-09-30. Review status: criteria provided, single submitter. Criteria: ACMG Guidelines, 2015. Collection method: clinical testing. Allele origin: germline.

OMIM
Classification: Pathogenic for AORTIC ANEURYSM, FAMILIAL THORACIC 7. Last evaluated: 2010-11-12. Review status: no assertion criteria provided. Collection method: literature only. Allele origin: germline. Not counted in ClinVar's aggregate classification.

Literature cited by the submitters: PubMed 21055718 (cited by Labcorp Genetics (formerly Invitae), Labcorp and OMIM).